The following is an entry in ClinVar:

NM_005321.3(H1-4):c.454_455insT (p.Lys152fs)

Gene: H1-4 (H1.4 linker histone, cluster member; plus strand). Cytogenetic location: 6p22.2.
Variant type: Insertion.
Coding change: c.454_455insT on transcript NM_005321.3 (MANE Select); coding-DNA positions 454 to 455, T inserted.
Protein change: p.Lys152fs; shifts the reading frame from lysine 152.
Molecular consequence: frameshift variant.
Genome position: GRCh38 VCF-style: chr6-26156844-A-AT. GRCh37 (hg19) VCF-style: chr6-26157072-A-AT.
Other names: short protein forms K152fs.
Identifiers: ClinVar variation 523954 (VCV000523954.26), dbSNP rs1554162894, ClinGen allele CA658796727.

ClinVar aggregate classification (germline): Pathogenic. Review status: criteria provided, multiple submitters, no conflicts (2 of 4 stars). 3 submissions from 3 submitters: Pathogenic (2). 1 of the submissions does not count toward it. Last evaluated 2024-01-01.

Conditions:
Rahman syndrome. Also called: HIST1H1E Syndrome. Identifiers: Orphanet 642763, MedGen C4479637, MONDO:0044323, OMIM 617537.

Submissions (3):

CeGaT Center for Human Genetics Tuebingen
Classification: Pathogenic. Last evaluated: 2024-01-01. Review status: criteria provided, single submitter. Criteria: CeGaT Center For Human Genetics Tuebingen Variant Classification Criteria Version 2. Collection method: clinical testing. Allele origin: germline. Affected: yes. Observed: 1 variant allele.
Comment: H1-4: PS2, PVS1:Strong, PM2, PS4:Supporting

GeneDx
Classification: Pathogenic. Last evaluated: 2018-03-12. Review status: criteria provided, single submitter. Criteria: GeneDx Variant Classification (06012015). Collection method: clinical testing. Allele origin: germline. Affected: yes.
Comment: The c.454_455insT variant in the HIST1H1E gene has not been reported previously as a pathogenic variant nor as a benign variant, to our knowledge. The c.454_455insT variant causes a frameshift starting with codon Lysine 152, changes this amino acid to a Isoleucine residue, and creates a premature Stop codon at position 44 of the new reading frame, denoted p.Lys152IlefsX44. This variant is predicted to cause loss of normal protein function through protein truncation. The c.454_455insT variant is not observed in large population cohorts (Lek et al., 2016). We interpret c.454_455insT as a pathogenic variant.

GeneReviews
No classification provided. Condition: Rahman syndrome. Review status: no classification provided. Collection method: literature only. Allele origin: de novo. Not counted in ClinVar's aggregate classification.

Literature cited by the submitters: NCBI Bookshelf NBK564966 (cited by GeneReviews); PubMed 33270410 (cited by GeneReviews).